The following is an entry in ClinVar:

NM_001447.3(FAT2):c.10508C>T (p.Ala3503Val)

Genes: FAT2 (FAT atypical cadherin 2; minus strand), SLC36A1 (solute carrier family 36 member 1; plus strand), LOC132089193 (Neanderthal introgressed variant-containing enhancer experimental_82555; plus strand). Cytogenetic location: 5q33.1.
Variant type: single nucleotide variant.
Coding change: c.10508C>T on transcript NM_001447.3 (MANE Select); coding-DNA position 10508, C replaced by T.
Protein change: p.Ala3503Val; replaces alanine 3503 with valine.
Molecular consequence: missense variant.
Genome position (GRCh38, 1-based): chr5:151,522,085, G>A on the plus strand (C>T on the coding strand, the complement: FAT2 is on the minus strand). VCF-style: chr5-151522085-G-A. GRCh37 (hg19) VCF-style: chr5-150901646-G-A.
Other names: c.10508C>T (NM_001447.2); short protein forms A3503V.
Identifiers: ClinVar variation 3003808 (VCV003003808.4), dbSNP rs1161562868, ClinGen allele CA361825285.

ClinVar aggregate classification (germline): Conflicting classifications of pathogenicity. Review status: criteria provided, conflicting classifications (1 of 4 stars). 2 submissions from 2 submitters: Uncertain significance (1); Likely benign (1). Last evaluated 2024-10-08.

Allele frequency attached by ClinVar (database versions not stated): gnomAD exomes 0.00001; TOPMed 0.00002; gnomAD 0.00003.
gnomAD v4.1: 19 of 1,578,706 alleles (0.0012%); highest among the groups gnomAD compares: Middle Eastern, 0.06%; no homozygotes.

Submissions (2):

Ambry Genetics
Classification: Likely benign. Last evaluated: 2024-10-08. Review status: criteria provided, single submitter. Criteria: Ambry Variant Classification Scheme 2023. Collection method: clinical testing. Allele origin: germline.

Labcorp Genetics (formerly Invitae), Labcorp
Classification: Uncertain significance. Last evaluated: 2023-10-24. Review status: criteria provided, single submitter. Criteria: Invitae Variant Classification Sherloc (09022015). Collection method: clinical testing. Allele origin: germline.
Comment: This sequence change replaces alanine, which is neutral and non-polar, with valine, which is neutral and non-polar, at codon 3503 of the FAT2 protein (p.Ala3503Val). This variant is present in population databases (no rsID available, gnomAD 0.009%). This variant has not been reported in the literature in individuals affected with FAT2-related conditions. Algorithms developed to predict the effect of missense changes on protein structure and function output the following: SIFT: "Not Available"; PolyPhen-2: "Benign"; Align-GVGD: "Not Available". The valine amino acid residue is found in multiple mammalian species, which suggests that this missense change does not adversely affect protein function. In summary, the available evidence is currently insufficient to determine the role of this variant in disease. Therefore, it has been classified as a Variant of Uncertain Significance.